The following is an entry in ClinVar:

ClinVar aggregate classification (germline): Uncertain significance (1 of 4 stars; one submission).

Submission:

Labcorp Genetics (formerly Invitae), Labcorp
Classification: Uncertain significance. Last evaluated: 2022-09-02. Review status: criteria provided, single submitter. Criteria: Invitae Variant Classification Sherloc (09022015). Collection method: clinical testing. Allele origin: germline.
Comment: This sequence change replaces phenylalanine, which is neutral and non-polar, with serine, which is neutral and polar, at codon 252 of the SEC61A1 protein (p.Phe252Ser). In summary, the available evidence is currently insufficient to determine the role of this variant in disease. Therefore, it has been classified as a Variant of Uncertain Significance. Algorithms developed to predict the effect of missense changes on protein structure and function are either unavailable or do not agree on the potential impact of this missense change (SIFT: "Deleterious"; PolyPhen-2: "Probably Damaging"; Align-GVGD: "Class C0"). This variant has not been reported in the literature in individuals affected with SEC61A1-related conditions. This variant is not present in population databases (gnomAD no frequency).

NM_013336.4(SEC61A1):c.755T>C (p.Phe252Ser)

Genes: RUVBL1 (RuvB like AAA ATPase 1; minus strand), SEC61A1 (SEC61 translocon subunit alpha 1; plus strand). Cytogenetic location: 3q21.3.
Variant type: single nucleotide variant.
Coding change: c.755T>C on transcript NM_013336.4 (MANE Select); coding-DNA position 755, T replaced by C.
Protein change: p.Phe252Ser; replaces phenylalanine 252 with serine.
Molecular consequence: missense variant. On other transcripts: 3 prime UTR variant (1).
Genome position (GRCh38, 1-based): chr3:128,065,015, T>C. VCF-style: chr3-128065015-T-C. GRCh37 (hg19) VCF-style: chr3-127783858-T-C.
Other names: c.773T>C, p.Phe258Ser (NM_001400328.1); c.596T>C, p.Phe199Ser (NM_001400329.1); c.*197A>G (NM_001319086.1); short protein forms F199S, F252S, F258S.
Identifiers: ClinVar variation 1718677 (VCV001718677.6), dbSNP rs2473033817, ClinGen allele CA354397914.